The following is an entry in ClinVar:

NM_000136.3(FANCC):c.521+10_521+13del

Gene: FANCC (FA complementation group C; minus strand). Cytogenetic location: 9q22.32.
Variant type: Deletion.
Coding change: c.521+10_521+13del on transcript NM_000136.3 (MANE Select); bases 10 to 13 of the intron after coding-DNA position 521, 4 bases deleted (AAAC; older notation c.521+10_521+13delAAAC).
Molecular consequence: intron variant.
Genome position (GRCh38, 1-based): chr9:95,171,066-95,171,069, GTTT deleted on the plus strand (AAAC on the coding strand, the reverse complement: FANCC is on the minus strand). VCF-style (leftmost placement, unchanged base first): chr9-95171065-AGTTT-A. GRCh37 (hg19) VCF-style: chr9-97933347-AGTTT-A.
Other names: c.521+10_521+13del (NM_000136.2, NM_001243743.2, NM_001243744.2); c.521+10_521+13delAAAC (NM_000136.3).
Identifiers: ClinVar variation 526463 (VCV000526463.14), dbSNP rs1372625836, ClinGen allele CA589489202.

ClinVar aggregate classification (germline): Likely benign. Review status: criteria provided, multiple submitters, no conflicts (2 of 4 stars). 2 submissions from 2 submitters: Likely benign (2). Last evaluated 2025-01-09.

Conditions:
Fanconi anemia (FA). Also called: Fanconi's anemia. Identifiers: Orphanet 84, MedGen C0015625, MeSH D005199, MONDO:0019391.

Allele frequency attached by ClinVar (database versions not stated): gnomAD 0.00001; gnomAD exomes 0.00001 and 0.00002; TOPMed 0.00001.

Submissions (2):

Women's Health and Genetics/Laboratory Corporation of America, LabCorp
Classification: Likely benign. Last evaluated: 2025-01-09. Review status: criteria provided, single submitter. Criteria: LabCorp Variant Classification Summary - May 2015. Collection method: clinical testing. Allele origin: germline.
Comment: Variant summary: FANCC c.521+10_521+13delAAAC alters a nucleotide located at a position not widely known to affect splicing. Consensus agreement among computation tools predict no significant impact on normal splicing. However, these predictions have yet to be confirmed by functional studies. The variant allele was found at a frequency of 7.9e-06 in 252656 control chromosomes. The available data on variant occurrences in the general population are insufficient to allow any conclusion about variant significance. c.521+10_521+13delAAAC has been reported in the literature without strong evidence for causality. These report(s) do not provide unequivocal conclusions about association of the variant with Fanconi Anemia Group C. To our knowledge, no experimental evidence demonstrating an impact on protein function has been reported. ClinVar contains an entry for this variant (Variation ID: 526463). Based on the evidence outlined above, the variant was classified as likely benign.

Labcorp Genetics (formerly Invitae), Labcorp
Classification: Likely benign for Fanconi anemia. Last evaluated: 2024-04-05. Review status: criteria provided, single submitter. Criteria: Invitae Variant Classification Sherloc (09022015). Collection method: clinical testing. Allele origin: germline.

Literature cited by the submitters: PubMed 21279724 (cited by Women's Health and Genetics/Laboratory Corporation of America, LabCorp).